The following continues an entry in ClinVar:

NM_000258.3(MYL3):c.170C>G (p.Ala57Gly)

Gene: MYL3. ClinVar aggregate classification (germline): Uncertain significance. Uncertain significance (1).

Submissions 6 to 10 of 22:

Color Diagnostics, LLC DBA Color Health
Classification: Uncertain significance for Cardiomyopathy. Last evaluated: 2025-06-24. Review status: criteria provided, single submitter. Criteria: ACMG Guidelines, 2015. Collection method: clinical testing. Allele origin: germline. Not counted in ClinVar's aggregate classification.
Comment: This missense variant replaces alanine with glycine at codon 57 of the MYL3 protein. Computational prediction suggests that this variant may have a deleterious impact on protein structure and function. An experimental study has shown that this variant lowers the binding capacity of the MYL3 protein to the myosin lever-arm in vitro (PMID: 22131351). In addition, transgenic mice expressing this variant showed decreased maximal force generation, high levels of heart fibrosis, and hypertrophy compared to wild-type (PMID: 23748425, 32034976). This variant has been reported in a three-generation Korean family affected with hypertrophic cardiomyopathy (PMID: 11174330, 20641121). Among 12 carriers in this family, 5 individuals were affected with late-onset hypertrophic cardiomyopathy, 6 individuals were affected with late-onset atrial fibrillation, heart failure and sudden cardiac death, and one adult individual had normal ECG and echocardiographic findings. This variant has also been reported to show 50% penetrance in a small family affected with hypertrophic cardiomyopathy (PMID: 29121657). This variant has been reported in several additional unrelated individuals affected with hypertrophic cardiomyopathy (PMID: 30105547, 32492895, 33495596, 35626289, 38757491Irie et al. 2011, doi:10.1016/j.fsigss.2011.08.072) and in an individual affected with dilated cardiomyopathy (PMID: 39681577). However, this variant has also been identified in 18/251470 chromosomes in the general population by the Genome Aggregation Database (gnomAD). In addition, in multiple case-control studies, this variant has not shown a significant association with hypertrophic cardiomyopathy (communication with an external laboratoryClinVar SCV000199362.6). Although there is a suspicion that this variant may be associated with disease, additional studies are necessary to determine the role of this variant in disease conclusively. Therefore, this variant is classified as a Variant of Uncertain Significance.

First Genomix Gene Laboratory, Genetic Diagnostics Department
Classification: Likely pathogenic for Hypertrophic cardiomyopathy 8. Last evaluated: 2025-05-30. Review status: criteria provided, single submitter. Criteria: ACMG Guidelines, 2015. Collection method: clinical testing. Allele origin: germline. Inheritance: Autosomal recessive inheritance. Affected: no. Observed: 1 variant allele. Not counted in ClinVar's aggregate classification.

Victorian Clinical Genetics Services, Murdoch Childrens Research Institute
Classification: Uncertain significance for Hypertrophic cardiomyopathy 8. Last evaluated: 2025-05-13. Review status: criteria provided, single submitter. Criteria: ACMG Guidelines, 2015. Collection method: clinical testing. Allele origin: germline. Affected: yes. Not counted in ClinVar's aggregate classification.
Comment: This variant is classified as VUS-3C. Evidence in support of pathogenic classification: Variant is present in gnomAD <0.01 (v4: 83 heterozygote(s), 0 homozygote(s)); This variant has moderate functional evidence supporting abnormal protein function. In vitro studies and transgenic mouse models showed disrupted interactions of the mutant MYL3 protein with myosin heavy chain and actin, respectively (PMIDs: 22131351, 26385864); Missense variant predicted to be damaging by in silico tool(s) or highly conserved with a major amino acid change. Additional information: Variant is predicted to result in a missense amino acid change from alanine to glycine; This variant is heterozygous; This gene is associated with both recessive and dominant disease. The autosomal recessive inheritance has only been reported for several variants (OMIM, PMID: 33288880); Alternative amino acid change(s) at the same position are present in gnomAD (Highest alelle count: v4: 188 heterozygote(s), 1 homozygote(s)); Previous reports of pathogenicity for this variant are conflicting. It has been classified as pathogenic, likely pathogenic and a VUS in clinical testing laboratories (ClinVar), and reported in multiple unrelated individuals with hypertrophic cardiomyopathy (HCM) (ClinVar, PMIDs: 20641121, 11174330, 35626289, 31110529). Another missense variant(s) comparable to the one identified in this case has inconclusive previous evidence for pathogenicity. p.(Ala57Val) has been classified as a VUS by multiple clinical laboratories in ClinVar; Variant is located in the annotated EF-hand 1 domain (UniProt); Loss of function is a known mechanism of disease in this gene and is associated with autosomal recessive hypertrophic cardiomyopathy 8 (MIM#608751) (PMIDs: 33288880, 12021217). Dominant negative is a likely mechanism of disease in this gene and is associated with autosomal dominant hypertrophic cardiomyopathy 8 (MIM#608751) (PMIDs: 26385864, 22131351); Inheritance information for this variant is not currently available in this individual.

Ambry Genetics
Classification: Uncertain significance for Cardiovascular phenotype. Last evaluated: 2025-02-26. Review status: criteria provided, single submitter. Criteria: Ambry Variant Classification Scheme 2023. Collection method: clinical testing. Allele origin: germline. Not counted in ClinVar's aggregate classification.
Comment: The p.A57G variant (also known as c.170C>G), located in coding exon 3 of the MYL3 gene, results from a C to G substitution at nucleotide position 170. The alanine at codon 57 is replaced by glycine, an amino acid with similar properties. This variant was identified in one or more individuals with features consistent with hypertrophic cardiomyopathy and segregated with disease in at least one family (Lee W et al., Am. Heart J. 2001 Feb; 141(2):184-9; Choi JO et al., Clin Cardiol 2010 Jul; 33(7):430-8; Murakami C et al., Kitasato Med J 2014; 44:47-55; Weissler-Snir A et al. Circ Cardiovasc Imaging, 2017 Feb;10; external communication; Ambry internal data). However, this alteration has also been identified in unaffected individuals and as a secondary finding in individuals who underwent whole exome sequencing for non-cardiovascular indications (Jang MA et al. Genet. Med., 2015 Dec;17:1007-11; Maxwell KN et al. Am. J. Hum. Genet., 2016 May;98:801-817; Natarajan P et al. Sci Transl Med, 2016 11;8:364ra151; Ambry internal data). Furthermore, based on data from gnomAD, the frequency for this variant is above the maximum credible frequency for a disease-causing variant in this gene based on internally established thresholds (Karczewski et al. Nature. 2020 May;581(7809):434-443; Whiffin et al. Genet Med. 2017 10;19:1151-1158). Multiple functional studies suggest that this alteration may impact MYL3 structure and function, but the observed differences are relatively minor and the clinical relevance is uncertain (Muthu P et al., FASEB J. 2011 Dec; 25(12):4394-405; Lossie J et al., Cardiovasc. Res. 2012 Mar; 93(3):390-6; Kazmierczak K et al., Am. J. Physiol. Heart Circ. Physiol. 2013 Aug; 305(4):H575-89; Ma N et al. Circulation, 2018 Dec;138:2666-2681; Wang Y et al. Open Biol, 2018 04;8). This amino acid position is well conserved in available vertebrate species. In addition, the in silico prediction for this alteration is inconclusive. Since supporting evidence is conflicting at this time, the clinical significance of this alteration remains unclear.

All of Us Research Program, National Institutes of Health
Classification: Uncertain significance for Hypertrophic cardiomyopathy. Last evaluated: 2024-09-11. Review status: criteria provided, single submitter. Criteria: ACMG Guidelines, 2015. Collection method: clinical testing. Allele origin: germline. Inheritance: Autosomal dominant inheritance. Observed: 16 variant alleles, 16 heterozygotes. Not counted in ClinVar's aggregate classification.
Comment: This missense variant replaces alanine with glycine at codon 57 of the MYL3 protein. Computational prediction suggests that this variant may have a deleterious impact on protein structure and function (internally defined REVEL score threshold >= 0.7, PMID: 27666373). An experimental study has shown that this variant lowers the binding capacity of the MYL3 protein to the myosin lever-arm in vitro (PMID: 22131351). In addition, transgenic mice expressing this variant showed decreased maximal force generation, high levels of heart fibrosis, and hypertrophy compared to wild-type (PMID: 23748425, 32034976). This variant has been reported in a three-generation Korean family affected with hypertrophic cardiomyopathy (PMID: 11174330, 20641121). Among 12 carriers in this family, 5 individuals were affected with late-onset hypertrophic cardiomyopathy, 6 individuals were affected with late-onset atrial fibrillation, heart failure and sudden cardiac death, and one adult individual had normal ECG and echocardiographic findings. This variant has also been reported to show 50% penetrance in a small family affected with hypertrophic cardiomyopathy (PMID: 29121657). This variant has been reported in another five unrelated individuals affected with hypertrophic cardiomyopathy (PMID: 30105547, 32492895, 33495596, 35626289, Irie et al. 2011, doi:10.1016/j.fsigss.2011.08.072). However, this variant has also been identified in 18/251470 chromosomes in the general population by the Genome Aggregation Database (gnomAD). In addition, in multiple case-control studies recently conducted, this variant has not shown a significant association with hypertrophic cardiomyopathy (communication with an external laboratory; ClinVar SCV000199362.6). Although there is a suspicion that this variant may be associated with disease, additional studies are necessary to determine the role of this variant in disease conclusively. Therefore, this variant is classified as a Variant of Uncertain Significance.

This study involves interpretation of variants in research participants for the purpose of population health screening. Participant phenotype was not available at the time of variant classification. Additional details can be found in publication PMID: 35346344, PMCID: PMC8962531